The following is an entry in ClinVar:

Conditions:
Breast-ovarian cancer, familial, susceptibility to, 1 (BROVCA1). Also called: BRCA1 Hereditary Breast and Ovarian Cancer; OVARIAN CANCER, SUSCEPTIBILITY TO. Identifiers: Orphanet 145, MedGen C2676676, MONDO:0011450, OMIM 604370. Disease mechanism: loss of function.

Submission:

Brotman Baty Institute, University of Washington
No classification provided (evidence only). Condition: Breast-ovarian cancer, familial 1. Review status: no classification provided. Collection method: in vitro. Allele origin: not applicable. Functional consequence: functionally_normal.
ClinVar note: "not provided" was previously submitted as the classification for the variant. However, the classification appeared to be based only on an observation of functional data so it was converted to no classification on 2025-07-30.

NM_007294.4(BRCA1):c.5560C>A (p.Leu1854Met)

Gene: BRCA1 (BRCA1 DNA repair associated; minus strand). Cytogenetic location: 17q21.31.
Variant type: single nucleotide variant.
Coding change: c.5560C>A on transcript NM_007294.4 (MANE Select); coding-DNA position 5560, C replaced by A.
Protein change: p.Leu1854Met; replaces leucine 1854 with methionine.
Molecular consequence: missense variant. On other transcripts: 3 prime UTR variant (1), non-coding transcript variant (1).
Genome position (GRCh38, 1-based): chr17:43,045,710, G>T on the plus strand (C>A on the coding strand, the complement: BRCA1 is on the minus strand). VCF-style: chr17-43045710-G-T. GRCh37 (hg19) VCF-style: chr17-41197727-G-T.
Other names: c.5347C>A, p.Leu1783Met (NM_001407571.1, NM_001407894.1, NM_001407895.1 and 12 more transcripts); c.5626C>A, p.Leu1876Met (NM_001407581.1, NM_001407582.1); c.5623C>A, p.Leu1875Met (NM_001407583.1, NM_001407585.1, NM_001407587.1 and 1 more transcripts); c.5620C>A, p.Leu1874Met (NM_001407590.1, NM_001407591.1); c.5560C>A, p.Leu1854Met (NM_001407593.1, NM_001407594.1, NM_001407596.1 and 5 more transcripts); c.5557C>A, p.Leu1853Met (NM_001407617.1, NM_001407618.1, NM_001407619.1 and 14 more transcripts); c.5554C>A, p.Leu1852Met (NM_001407636.1, NM_001407637.1, NM_001407638.1 and 13 more transcripts); c.5551C>A, p.Leu1851Met (NM_001407644.1, NM_001407645.1); and 74 more; short protein forms L1807M, L1854M, L1875M, L750M, L1700M, L1766M, L1785M, L1813M.
Identifiers: ClinVar variation 867666 (VCV000867666.3), dbSNP rs2050859600, ClinGen allele CA10590204.